The following is an entry in ClinVar:

NM_000038.6(APC):c.8095G>A (p.Asp2699Asn)

Gene: APC (APC regulator of Wnt signaling pathway; plus strand). Cytogenetic location: 5q22.2.
Variant type: single nucleotide variant.
Coding change: c.8095G>A on transcript NM_000038.6 (MANE Select); coding-DNA position 8095, G replaced by A.
Protein change: p.Asp2699Asn; replaces aspartic acid 2699 with asparagine.
Molecular consequence: missense variant.
Genome position (GRCh38, 1-based): chr5:112,843,689, G>A. VCF-style: chr5-112843689-G-A. GRCh37 (hg19) VCF-style: chr5-112179386-G-A.
Other names: c.8095G>A, p.Asp2699Asn (NM_001127510.3, NM_001354895.2); c.8041G>A, p.Asp2681Asn (NM_001127511.3); c.8149G>A, p.Asp2717Asn (NM_001354896.2); c.8125G>A, p.Asp2709Asn (NM_001354897.2); c.8020G>A, p.Asp2674Asn (NM_001354898.2); c.8011G>A, p.Asp2671Asn (NM_001354899.2); c.7972G>A, p.Asp2658Asn (NM_001354900.2); c.7918G>A, p.Asp2640Asn (NM_001354901.2); and 5 more; short protein forms D2416N, D2573N, D2640N, D2681N, D2539N, D2658N, D2674N, D2709N.
Identifiers: ClinVar variation 1399333 (VCV001399333.8), dbSNP rs2149999138, ClinGen allele CA16038909.
Genomic context (GRCh38, chr5:112,843,689, plus strand): 5'-ACTCCCCCGGTGATTGACAGTGTTTCAGAAAAGGCAAATCCAAACATTAAAGATTCAAAA[G>A]ATAATCAGGCAAAACAAAATGTGGGTAATGGCAGTGTTCCCATGCGTACCGTGGGTTTGG-3'
Protein context (NP_000029.2, residues 2689-2709): KANPNIKDSK[Asp2699Asn]NQAKQNVGNG

ClinVar aggregate classification (germline): Uncertain significance (1 of 4 stars; one submission).

Conditions:
Familial adenomatous polyposis 1 (FAP1). Also called: FAMILIAL ADENOMATOUS POLYPOSIS 1, ATTENUATED; POLYPOSIS, ADENOMATOUS INTESTINAL. Identifiers: MedGen C2713442, MONDO:0021056, OMIM 175100. Disease mechanism: loss of function.

Submission:

Labcorp Genetics (formerly Invitae), Labcorp
Classification: Uncertain significance for Familial adenomatous polyposis 1. Last evaluated: 2021-06-05. Review status: criteria provided, single submitter. Criteria: Invitae Variant Classification Sherloc (09022015). Collection method: clinical testing. Allele origin: germline.
Comment: In summary, the available evidence is currently insufficient to determine the role of this variant in disease. Therefore, it has been classified as a Variant of Uncertain Significance. Algorithms developed to predict the effect of missense changes on protein structure and function are either unavailable or do not agree on the potential impact of this missense change (SIFT: "Deleterious"; PolyPhen-2: "Possibly Damaging"; Align-GVGD: "Class C0"). This variant has not been reported in the literature in individuals with APC-related conditions. This variant is not present in population databases (ExAC no frequency). This sequence change replaces aspartic acid with asparagine at codon 2699 of the APC protein (p.Asp2699Asn). The aspartic acid residue is moderately conserved and there is a small physicochemical difference between aspartic acid and asparagine.